The following is an entry in ClinVar:

NM_005902.4(SMAD3):c.153G>A (p.Leu51=)

Gene: SMAD3 (SMAD family member 3; plus strand). Cytogenetic location: 15q22.33.
Variant type: single nucleotide variant.
Coding change: c.153G>A on transcript NM_005902.4 (MANE Select); coding-DNA position 153, G replaced by A.
Protein change: p.Leu51=; no amino-acid change (leucine 51 retained).
Molecular consequence: synonymous variant.
Genome position (GRCh38, 1-based): chr15:67,066,307, G>A. VCF-style: chr15-67066307-G-A. GRCh37 (hg19) VCF-style: chr15-67358645-G-A.
Identifiers: ClinVar variation 1554453 (VCV001554453.9), dbSNP rs1959914848, ClinGen allele CA491015711.
Genomic context (GRCh38, chr15:67,066,307, plus strand): 5'-CGAGAAGGCGGTCAAGAGCCTGGTCAAGAAACTCAAGAAGACGGGGCAGCTGGACGAGCT[G>A]GAGAAGGCCATCACCACGCAGAACGTCAACACCAAGTGCATCACCATCCCCAGGTGGGGG-3'
Protein context (NP_005893.1, residues 41-61): KLKKTGQLDE[Leu51=]EKAITTQNVN

ClinVar aggregate classification (germline): Likely benign. Review status: criteria provided, multiple submitters, no conflicts (2 of 4 stars). 2 submissions from 2 submitters: Likely benign (2). Last evaluated 2025-10-14.

Conditions:
Aneurysm-osteoarthritis syndrome. Also called: Loeys-Dietz syndrome, type 1C; SMAD3-Related Loeys-Dietz Syndrome; ANEURYSMS-OSTEOARTHRITIS SYNDROME; LOEYS-DIETZ SYNDROME WITH OSTEOARTHRITIS. Identifiers: Orphanet 284984, MedGen C3151087, MONDO:0013426, OMIM 613795.
Familial thoracic aortic aneurysm and aortic dissection (TAAD). Also called: Thoracic aortic aneurysms and dissections. Identifiers: Orphanet 91387, MedGen C4707243, MONDO:0019625.

Allele frequency attached by ClinVar (database versions not stated): TOPMed below 0.00001; gnomAD 0.00001.
gnomAD v4.1: 1 of 1,613,558 alleles (0.000062%); highest among the groups gnomAD compares: East Asian, 0.0022%; no homozygotes.

Submissions (2):

Labcorp Genetics (formerly Invitae), Labcorp
Classification: Likely benign for Familial thoracic aortic aneurysm and aortic dissection. Last evaluated: 2025-10-14. Review status: criteria provided, single submitter. Criteria: Invitae Variant Classification Sherloc (09022015). Collection method: clinical testing. Allele origin: germline.

All of Us Research Program, National Institutes of Health
Classification: Likely benign for Aneurysm-osteoarthritis syndrome. Last evaluated: 2023-06-26. Review status: criteria provided, single submitter. Criteria: ACMG Guidelines, 2015. Collection method: clinical testing. Allele origin: germline. Inheritance: Autosomal dominant inheritance. Observed: 1 variant allele, 1 heterozygote.
Comment: This study involves interpretation of variants in research participants for the purpose of population health screening. Participant phenotype was not available at the time of variant classification. Additional details can be found in publication PMID: 35346344, PMCID: PMC8962531